The following is an entry in ClinVar:

NM_152564.5(VPS13B):c.11673T>G (p.Cys3891Trp)

Gene: VPS13B (vacuolar protein sorting 13 homolog B; plus strand). Cytogenetic location: 8q22.2.
Variant type: single nucleotide variant.
Coding change: c.11673T>G on transcript NM_152564.5 (MANE Select); coding-DNA position 11673, T replaced by G.
Protein change: p.Cys3891Trp; replaces cysteine 3891 with tryptophan.
Molecular consequence: missense variant.
Genome position (GRCh38, 1-based): chr8:99,871,625, T>G. VCF-style: chr8-99871625-T-G. GRCh37 (hg19) VCF-style: chr8-100883853-T-G.
Other names: c.11748T>G, p.Cys3916Trp (NM_017890.5); short protein forms C3916W, C3891W.
Identifiers: ClinVar variation 4991629 (VCV004991629.1).

ClinVar aggregate classification (germline): Uncertain significance (1 of 4 stars; one submission).

Conditions:
VPS13B-related disorder. Also called: VPS13B-related condition.

Submission:

PreventionGenetics, part of Exact Sciences
Classification: Uncertain significance for VPS13B-related condition. Last evaluated: 2025-09-24. Review status: criteria provided, single submitter. Criteria: ACMG Guidelines, 2015. Collection method: clinical testing. Allele origin: germline.
Comment: The VPS13B c.11673T>G variant is predicted to result in the amino acid substitution p.Cys3891Trp. To our knowledge, this variant has not been reported in the literature or in a large population database (gnomAD), indicating this variant is rare. At this time, the clinical significance of this variant is uncertain due to the absence of conclusive functional and genetic evidence.